The following is an entry in ClinVar:

NM_021110.4(COL14A1):c.4486C>T (p.Leu1496=)

Gene: COL14A1 (collagen type XIV alpha 1 chain; plus strand). Cytogenetic location: 8q24.12.
Variant type: single nucleotide variant.
Coding change: c.4486C>T on transcript NM_021110.4 (MANE Select); coding-DNA position 4486, C replaced by T.
Protein change: p.Leu1496=; no amino-acid change (leucine 1496 retained).
Molecular consequence: synonymous variant.
Genome position (GRCh38, 1-based): chr8:120,313,962, C>T. VCF-style: chr8-120313962-C-T. GRCh37 (hg19) VCF-style: chr8-121326201-C-T.
Identifiers: ClinVar variation 708929 (VCV000708929.29), dbSNP rs114758925, ClinGen allele CA4859880.

ClinVar aggregate classification (germline): Likely benign. Review status: criteria provided, multiple submitters, no conflicts (2 of 4 stars). 3 submissions from 3 submitters: Likely benign (3). Last evaluated 2022-11-01.

Allele frequency attached by ClinVar (database versions not stated): 1000 Genomes Project 30x 0.00016; 1000 Genomes Project 0.00020; gnomAD 0.00074 and 0.00080; TOPMed 0.00079; ESP Exome Variant Server 0.00115.
gnomAD v4.1: 1,708 of 1,612,512 alleles (0.11%); highest among the groups gnomAD compares: Middle Eastern, 0.42%; 1 homozygote.

Submissions (3):

CeGaT Center for Human Genetics Tuebingen
Classification: Likely benign. Last evaluated: 2022-11-01. Review status: criteria provided, single submitter. Criteria: CeGaT Center For Human Genetics Tuebingen Variant Classification Criteria Version 2. Collection method: clinical testing. Allele origin: germline. Affected: yes. Observed: 2 variant alleles.
Comment: COL14A1: BP4, BP7

Labcorp Genetics (formerly Invitae), Labcorp
Classification: Likely benign. Last evaluated: 2019-12-31. Review status: criteria provided, single submitter. Criteria: Invitae Variant Classification Sherloc (09022015). Collection method: clinical testing. Allele origin: germline.

Breakthrough Genomics
Classification: Likely benign. Review status: criteria provided, single submitter. Criteria: ACMG Guidelines, 2015. Collection method: not provided. Allele origin: germline. Inheritance: Unknown mechanism. Affected: yes.